The following is an entry in ClinVar:

NM_001378743.1(CYLD):c.2291_2295del (p.Lys764fs)

Genes: CYLD (CYLD lysine 63 deubiquitinase; plus strand), CYLD-AS2 (CYLD antisense RNA 2; minus strand). Cytogenetic location: 16q12.1.
Variant type: Deletion.
Coding change: c.2291_2295del on transcript NM_001378743.1 (MANE Select); coding-DNA positions 2291 to 2295, 5 bases deleted (AACTA; older notation c.2291_2295delAACTA).
Protein change: p.Lys764fs; shifts the reading frame from lysine 764.
Molecular consequence: frameshift variant. On other transcripts: non-coding transcript variant (1).
Genome position (GRCh38, 1-based): chr16:50,792,646-50,792,650, AACTA deleted; deleting any 5 consecutive bases within chr16:50,792,644-50,792,650 gives the same sequence; the c. name uses the placement nearest the transcript's 3' end. VCF-style (leftmost placement, unchanged base first): chr16-50792643-TTAAAC-T. GRCh37 (hg19) VCF-style: chr16-50826554-TTAAAC-T.
Other names: p.Lys764fs; c.2291_2295delAACTA (NM_015247.2); c.2282_2286del, p.Lys761fs (NM_001042355.2, NM_001042412.3, NM_001378744.1 and 6 more transcripts); c.2252_2256del, p.Lys751fs (NM_001378751.1, NM_001378752.1, NM_001378753.1); c.1616_1620del, p.Lys539fs (NM_001378754.1, NM_001378755.1); c.2291_2295del, p.Lys764fs (NM_015247.3); short protein forms K764fs, K761fs, K539fs, K751fs.
Identifiers: ClinVar variation 267248 (VCV000267248.5), dbSNP rs886040887, ClinGen allele CA10590085.
Genomic context (GRCh38, chr16:50,792,643, plus strand): 5'-TGTCTTTTTTATAGGCACCATCATGTCTGATTATTCAGATGCCTCGATTTGGAAAAGACT[TTAAAC>T]TATTTAAAAAAATTTTTCCTTCTCTGGAATTAAATATAACAGATTTACTTGAAGACAGTA-3'

ClinVar aggregate classification (germline): Pathogenic. Review status: criteria provided, multiple submitters, no conflicts (2 of 4 stars). 3 submissions from 3 submitters: Pathogenic (3). Last evaluated 2024-09-15.

Conditions:
Brooke-Spiegler syndrome. Also called: CYLD Cutaneous Syndrome. Identifiers: Orphanet 79493, MedGen C1857941, MONDO:0011512, OMIM 605041.
Familial cylindromatosis. Also called: Turban tumor syndrome; ANCELL-SPIEGLER CYLINDROMAS. Identifiers: Orphanet 211, Orphanet 79493, MedGen C1851526, MONDO:0007565, OMIM 132700.
Trichoepithelioma, multiple familial, 1 (MFT1). Also called: BROOKE-FORDYCE TRICHOEPITHELIOMAS; EPITHELIOMA ADENOIDES CYSTICUM OF BROOKE; EPITHELIOMA, HEREDITARY MULTIPLE BENIGN CYSTIC. Identifiers: MedGen CN296585, MONDO:0042977, OMIM 601606.

Submissions (3):

Labcorp Genetics (formerly Invitae), Labcorp
Classification: Pathogenic. Last evaluated: 2024-09-15. Review status: criteria provided, single submitter. Criteria: Invitae Variant Classification Sherloc (09022015). Collection method: clinical testing. Allele origin: germline.
Comment: This sequence change creates a premature translational stop signal (p.Lys764Ilefs*2) in the CYLD gene. It is expected to result in an absent or disrupted protein product. Loss-of-function variants in CYLD are known to be pathogenic (PMID: 19462465). This variant is not present in population databases (gnomAD no frequency). This premature translational stop signal has been observed in individual(s) with clinical features of CYLD cutaneous syndrome (PMID: 18234730, 23249834). ClinVar contains an entry for this variant (Variation ID: 267248). For these reasons, this variant has been classified as Pathogenic.

Molecular Genetics and NGS Laboratory, Hospital Fundacion Valle Del Lili
Classification: Pathogenic for Brooke-Spiegler syndrome; Familial cylindromatosis; Trichoepithelioma, multiple familial, 1. Last evaluated: 2024-03-27. Review status: criteria provided, single submitter. Criteria: ACMG Guidelines, 2015. Collection method: clinical testing. Allele origin: germline. Affected: yes. Observed: 1 variant allele.

Genomic Diagnostic Laboratory, Division of Genomic Diagnostics, Children's Hospital of Philadelphia
Classification: Pathogenic for Cylindromatosis, familial. Last evaluated: 2016-09-23. Review status: criteria provided, single submitter. Criteria: DGD Variant Analysis Guidelines. Collection method: clinical testing. Allele origin: germline. Affected: yes. Observed: 1 variant allele.
Comment: Clinical Testing

Literature cited by the submitters: PubMed 19462465 (cited by Labcorp Genetics (formerly Invitae), Labcorp); PubMed 18234730 (cited by Labcorp Genetics (formerly Invitae), Labcorp); PubMed 23249834 (cited by Labcorp Genetics (formerly Invitae), Labcorp).